The following is an entry in ClinVar:

ClinVar aggregate classification (germline): Uncertain significance (1 of 4 stars; one submission).

Submission:

CeGaT Center for Human Genetics Tuebingen
Classification: Uncertain significance. Last evaluated: 2024-10-01. Review status: criteria provided, single submitter. Criteria: CeGaT Center For Human Genetics Tuebingen Variant Classification Criteria Version 2. Collection method: clinical testing. Allele origin: germline. Affected: yes. Observed: 1 variant allele.
Comment: RNF213: PM2, PVS1:Supporting

NM_001256071.3(RNF213):c.9694C>T (p.Gln3232Ter)

Gene: RNF213 (ring finger protein 213; plus strand). Cytogenetic location: 17q25.3.
Variant type: single nucleotide variant.
Coding change: c.9694C>T on transcript NM_001256071.3 (MANE Select); coding-DNA position 9694, C replaced by T.
Protein change: p.Gln3232Ter; replaces glutamine 3232 with a stop codon.
Molecular consequence: nonsense.
Genome position (GRCh38, 1-based): chr17:80,348,029, C>T. VCF-style: chr17-80348029-C-T. GRCh37 (hg19) VCF-style: chr17-78321829-C-T.
Other names: c.9841C>T, p.Gln3281Ter (NM_001410195.1, NM_020914.5); short protein forms Q3232*, Q3281*.
Identifiers: ClinVar variation 3389929 (VCV003389929.14).